The following is an entry in ClinVar:

NM_000258.3(MYL3):c.486_503del (p.Arg163_Glu168del)

Gene: MYL3 (myosin light chain 3; minus strand). Cytogenetic location: 3p21.31.
Variant type: Deletion.
Coding change: c.486_503del on transcript NM_000258.3 (MANE Select); coding-DNA positions 486 to 503, 18 bases deleted (GAGGCTGACAGAAGACGA).
Protein change: p.Arg163_Glu168del.
Molecular consequence: splice acceptor variant (on NM_001406941.1).
Genome position (GRCh38, 1-based): chr3:46,858,440-46,858,457, TCGTCTTCTGTCAGCCTC deleted on the plus strand (GAGGCTGACAGAAGACGA on the coding strand, the reverse complement: MYL3 is on the minus strand); deleting any 18 consecutive bases within chr3:46,858,440-46,858,459 gives the same sequence; the c. name uses the placement nearest the transcript's 3' end. VCF-style (leftmost placement, unchanged base first): chr3-46858439-TTCGTCTTCTGTCAGCCTC-T. GRCh37 (hg19) VCF-style: chr3-46899929-TTCGTCTTCTGTCAGCCTC-T.
Other names: c.486_503del, p.Arg163_Glu168del (NM_001406937.1, NM_001406938.1, NM_001406939.1); c.312_329del, p.Arg105_Glu110del (NM_001406940.1); c.308-11_314del (NM_001406941.1).
Identifiers: ClinVar variation 4774626 (VCV004774626.1).

ClinVar aggregate classification (germline): Uncertain significance (1 of 4 stars; one submission).

Conditions:
Hypertrophic cardiomyopathy. Also called: HYPERTROPHIC MYOCARDIOPATHY. Identifiers: Orphanet 217569, MedGen C0007194, MeSH D002312, MONDO:0005045, HP:0001639.

Submission:

Labcorp Genetics (formerly Invitae), Labcorp
Classification: Uncertain significance for Hypertrophic cardiomyopathy. Last evaluated: 2025-07-03. Review status: criteria provided, single submitter. Criteria: Invitae Variant Classification Sherloc (09022015). Collection method: clinical testing. Allele origin: germline.
Comment: This variant, c.486_503del, results in the deletion of 6 amino acid(s) of the MYL3 protein (p.Arg163_Glu168del), but otherwise preserves the integrity of the reading frame. This variant is not present in population databases (gnomAD no frequency). This variant has not been reported in the literature in individuals affected with MYL3-related conditions. Experimental studies and prediction algorithms are not available or were not evaluated, and the functional significance of this variant is currently unknown. In summary, the available evidence is currently insufficient to determine the role of this variant in disease. Therefore, it has been classified as a Variant of Uncertain Significance.